The following is an entry in ClinVar:

ClinVar aggregate classification (germline): Pathogenic. Review status: criteria provided, multiple submitters, no conflicts (2 of 4 stars). 2 submissions from 2 submitters: Pathogenic (2). Last evaluated 2017-04-01.

Conditions:
Duchenne muscular dystrophy (DMD). Also called: MUSCULAR DYSTROPHY, PSEUDOHYPERTROPHIC PROGRESSIVE, DUCHENNE TYPE; Duchenne Muscular Dystrophy (DMD). Identifiers: Orphanet 98896, MedGen C0013264, MONDO:0010679, OMIM 310200.

Submissions (2):

Labcorp Genetics (formerly Invitae), Labcorp
Classification: Pathogenic for Duchenne muscular dystrophy. Last evaluated: 2017-04-01. Review status: criteria provided, single submitter. Criteria: Invitae Variant Classification Sherloc (09022015). Collection method: clinical testing. Allele origin: germline.
Comment: For these reasons, this variant has been classified as Pathogenic. Loss-of-function variants in DMD are known to be pathogenic. This particular variant has been reported in the literature in an individual affected with Duchenne muscular dystrophy (PMID: 17880784). This sequence change creates a premature translational stop signal at codon 2886 (p.Gln2886*) of the DMD gene. It is expected to result in an absent or disrupted protein product.

Eurofins Ntd Llc (ga)
Classification: Pathogenic. Last evaluated: 2014-09-16. Review status: criteria provided, single submitter. Criteria: EGL Classification Definitions 2015. Collection method: clinical testing. Allele origin: germline. Observed: 1 variant allele, 1 hemizygote.

Literature cited by the submitters: PubMed 17880784 (cited by Labcorp Genetics (formerly Invitae), Labcorp).

NM_004006.3(DMD):c.8656C>T (p.Gln2886Ter)

Gene: DMD (dystrophin; minus strand). Cytogenetic location: Xp21.2.
Variant type: single nucleotide variant.
Coding change: c.8656C>T on transcript NM_004006.3 (MANE Select); coding-DNA position 8656, C replaced by T.
Protein change: p.Gln2886Ter; replaces glutamine 2886 with a stop codon.
Molecular consequence: nonsense.
Genome position (GRCh38, 1-based): chrX:31,478,995, G>A on the plus strand (C>T on the coding strand, the complement: DMD is on the minus strand). VCF-style: chrX-31478995-G-A. GRCh37 (hg19) VCF-style: chrX-31497112-G-A.
Other names: c.8632C>T, p.Gln2878Ter (NM_000109.4); c.8644C>T, p.Gln2882Ter (NM_004009.3); c.8287C>T, p.Gln2763Ter (NM_004010.3); c.4633C>T, p.Gln1545Ter (NM_004011.4); c.4624C>T, p.Gln1542Ter (NM_004012.4); c.1276C>T, p.Gln426Ter (NM_004013.3, NM_004020.4, NM_004021.3 and 2 more transcripts); c.469C>T, p.Gln157Ter (NM_004014.3); short protein forms Q2886*, Q2763*, Q1545*, Q157*, Q1542*, Q2878*, Q2882*, Q426*.
Identifiers: ClinVar variation 198011 (VCV000198011.17), dbSNP rs201361100, ClinGen allele CA275322.